The following is an entry in ClinVar:

ClinVar aggregate classification (germline): Likely benign (1 of 4 stars; one submission).

Allele frequency attached by ClinVar (database versions not stated): ExAC 0.00001; gnomAD 0.00001; TOPMed 0.00002; gnomAD exomes 0.00003.
gnomAD v4.1: 42 of 1,613,006 alleles (0.0026%); highest among the groups gnomAD compares: Middle Eastern, 0.016%; no homozygotes.

Submission:

CeGaT Center for Human Genetics Tuebingen
Classification: Likely benign. Last evaluated: 2022-11-01. Review status: criteria provided, single submitter. Criteria: CeGaT Center For Human Genetics Tuebingen Variant Classification Criteria Version 2. Collection method: clinical testing. Allele origin: germline. Affected: yes. Observed: 1 variant allele.
Comment: TET3: BP4, BP7

NM_001287491.2(TET3):c.4980C>T (p.His1660=)

Gene: TET3 (tet methylcytosine dioxygenase 3; plus strand). Cytogenetic location: 2p13.1.
Variant type: single nucleotide variant.
Coding change: c.4980C>T on transcript NM_001287491.2 (MANE Select); coding-DNA position 4980, C replaced by T.
Protein change: p.His1660=; no amino-acid change (histidine 1660 retained).
Molecular consequence: synonymous variant.
Genome position (GRCh38, 1-based): chr2:74,101,768, C>T. VCF-style: chr2-74101768-C-T. GRCh37 (hg19) VCF-style: chr2-74328895-C-T.
Other names: c.4701C>T, p.His1567= (NM_001366022.1); c.4575C>T, p.His1525= (NM_144993.1).
Identifiers: ClinVar variation 2651058 (VCV002651058.24), dbSNP rs779149341, ClinGen allele CA1719335.